The following is an entry in ClinVar:

NM_005529.7(HSPG2):c.11601C>T (p.Tyr3867=)

Gene: HSPG2 (heparan sulfate proteoglycan 2; minus strand). Cytogenetic location: 1p36.12.
Variant type: single nucleotide variant.
Coding change: c.11601C>T on transcript NM_005529.7 (MANE Select); coding-DNA position 11601, C replaced by T.
Protein change: p.Tyr3867=; no amino-acid change (tyrosine 3867 retained).
Molecular consequence: synonymous variant.
Genome position (GRCh38, 1-based): chr1:21,831,052, G>A on the plus strand (C>T on the coding strand, the complement: HSPG2 is on the minus strand). VCF-style: chr1-21831052-G-A. GRCh37 (hg19) VCF-style: chr1-22157545-G-A.
Other names: c.11604C>T, p.Tyr3868= (NM_001291860.2).
Identifiers: ClinVar variation 295716 (VCV000295716.20), dbSNP rs112494360, ClinGen allele CA669710.

ClinVar aggregate classification (germline): Benign/Likely benign. Review status: criteria provided, multiple submitters, no conflicts (2 of 4 stars). 8 submissions from 7 submitters: Benign (7); Likely benign (1). Last evaluated 2026-02-04.

Conditions:
Lethal Kniest-like syndrome (DDSH). Also called: Dyssegmental Dysplasia. Identifiers: Orphanet 1865, MedGen C1857100, MONDO:0009140, OMIM 224410.
Schwartz-Jampel syndrome. Also called: Myotonic myopathy dwarfism chondrodystrophy and ocular and facial abnormalities. Identifiers: Orphanet 800, MedGen C0036391, MONDO:0009717.
Connective tissue disorder. Also called: Connective tissue disease. Identifiers: MedGen C0009782, MONDO:0003900.

Allele frequency attached by ClinVar (database versions not stated): 1000 Genomes Project 30x 0.02717; 1000 Genomes Project 0.02895; TOPMed 0.03228; gnomAD 0.03245 and 0.03408; ESP Exome Variant Server 0.03411; gnomAD exomes 0.04105 and 0.05079; ExAC 0.06932.
gnomAD v4.1: 78,194 of 1,592,738 alleles (4.9%); highest among the groups gnomAD compares: South Asian, 8.9%; 2,316 homozygotes.

Submissions (8):

Labcorp Genetics (formerly Invitae), Labcorp
Classification: Benign. Last evaluated: 2026-02-04. Review status: criteria provided, single submitter. Criteria: Invitae Variant Classification Sherloc (09022015). Collection method: clinical testing. Allele origin: germline.

Blueprint Genetics
Classification: Likely benign. Last evaluated: 2024-11-26. Review status: criteria provided, single submitter. Criteria: ACMG Guidelines, 2015. Collection method: clinical testing. Allele origin: germline.

Genome Diagnostics Laboratory, The Hospital for Sick Children
Classification: Benign for Connective tissue disorder. Last evaluated: 2021-12-04. Review status: criteria provided, single submitter. Criteria: ACMG Guidelines, 2015. Collection method: clinical testing. Allele origin: germline.

Athena Diagnostics
Classification: Benign. Last evaluated: 2019-02-21. Review status: criteria provided, single submitter. Criteria: Athena Diagnostics Criteria. Collection method: clinical testing. Allele origin: germline.

GeneDx
Classification: Benign. Last evaluated: 2018-08-25. Review status: criteria provided, single submitter. Criteria: GeneDx Variant Classification Process June 2021. Collection method: clinical testing. Allele origin: germline. Affected: yes.

Illumina Laboratory Services, Illumina
Classification: Benign for Schwartz-Jampel syndrome type 1. Last evaluated: 2018-01-13. Review status: criteria provided, single submitter. Criteria: ICSL Variant Classification Criteria 13 December 2019. Collection method: clinical testing. Allele origin: germline.
Comment: This variant was observed in the ICSL laboratory as part of a predisposition screen in an ostensibly healthy population. It had not been previously curated by ICSL or reported in the Human Gene Mutation Database (HGMD: prior to June 1st, 2018), and was therefore a candidate for classification through an automated scoring system. Utilizing variant allele frequency, disease prevalence and penetrance estimates, and inheritance mode, an automated score was calculated to assess if this variant is too frequent to cause the disease. Based on the score and internal cut-off values, a variant classified as benign is not then subjected to further curation. The score for this variant resulted in a classification of benign for this disease.

Illumina Laboratory Services, Illumina
Classification: Benign for Lethal Kniest-like syndrome. Last evaluated: 2018-01-13. Review status: criteria provided, single submitter. Criteria: ICSL Variant Classification Criteria 13 December 2019. Collection method: clinical testing. Allele origin: germline.
Comment: the same text as in the submission from Illumina Laboratory Services, Illumina above.

Breakthrough Genomics
Classification: Benign. Review status: criteria provided, single submitter. Criteria: ACMG Guidelines, 2015. Collection method: not provided. Allele origin: germline. Inheritance: Autosomal recessive inheritance. Affected: yes.